The following is an entry in ClinVar:

NM_005996.4(TBX3):c.246G>A (p.Gly82=)

Genes: TBX3 (T-box transcription factor 3; minus strand), TBX3-AS1 (TBX3 antisense RNA 1; plus strand). Cytogenetic location: 12q24.21.
Variant type: single nucleotide variant.
Coding change: c.246G>A on transcript NM_005996.4 (MANE Select); coding-DNA position 246, G replaced by A.
Protein change: p.Gly82=; no amino-acid change (glycine 82 retained).
Molecular consequence: synonymous variant.
Genome position (GRCh38, 1-based): chr12:114,682,955, C>T on the plus strand (G>A on the coding strand, the complement: TBX3 is on the minus strand). VCF-style: chr12-114682955-C-T. GRCh37 (hg19) VCF-style: chr12-115120760-C-T.
Other names: c.246G>A (NM_016569.3); c.246G>A, p.Gly82= (NM_016569.4).
Identifiers: ClinVar variation 2777002 (VCV002777002.5), dbSNP rs377213076, ClinGen allele CA6810240.

ClinVar aggregate classification (germline): Likely benign. Review status: criteria provided, single submitter (1 of 4 stars). 2 submissions from 2 submitters: Likely benign (1). 1 of the submissions does not count toward it. Last evaluated 2025-09-25.

Conditions:
TBX3-related disorder. Also called: TBX3-related condition.
Ulnar-mammary syndrome (UMS). Also called: SCHINZEL SYNDROME; Ulnar-mammary syndrome of Pallister; PALLISTER ULNAR-MAMMARY SYNDROME. Identifiers: Orphanet 3138, MedGen C1866994, MONDO:0008411, OMIM 181450.

Allele frequency attached by ClinVar (database versions not stated): ExAC 0.00002; TOPMed 0.00018; gnomAD 0.00027.
gnomAD v4.1: 68 of 1,614,038 alleles (0.0042%); highest among the groups gnomAD compares: African/African-American, 0.076%; no homozygotes.

Submissions (2):

Labcorp Genetics (formerly Invitae), Labcorp
Classification: Likely benign for Ulnar-mammary syndrome. Last evaluated: 2025-09-25. Review status: criteria provided, single submitter. Criteria: Invitae Variant Classification Sherloc (09022015). Collection method: clinical testing. Allele origin: germline.

PreventionGenetics, part of Exact Sciences
Classification: Likely benign for TBX3-related condition. Last evaluated: 2021-07-01. Review status: no assertion criteria provided. Collection method: clinical testing. Allele origin: germline. Not counted in ClinVar's aggregate classification.
Comment: This variant is classified as likely benign based on ACMG/AMP sequence variant interpretation guidelines (Richards et al. 2015 PMID: 25741868, with internal and published modifications).